The following is an entry in ClinVar:

NM_015662.3(IFT172):c.244G>T (p.Ala82Ser)

Gene: IFT172 (intraflagellar transport 172; minus strand). Cytogenetic location: 2p23.3.
Variant type: single nucleotide variant.
Coding change: c.244G>T on transcript NM_015662.3 (MANE Select); coding-DNA position 244, G replaced by T.
Protein change: p.Ala82Ser; replaces alanine 82 with serine.
Molecular consequence: missense variant.
Genome position (GRCh38, 1-based): chr2:27,485,070, C>A on the plus strand (G>T on the coding strand, the complement: IFT172 is on the minus strand). VCF-style: chr2-27485070-C-A. GRCh37 (hg19) VCF-style: chr2-27707937-C-A.
Other names: c.244G>T, p.Ala82Ser (NM_001410739.1); short protein forms A82S.
Identifiers: ClinVar variation 2038022 (VCV002038022.2), dbSNP rs1398648274, ClinGen allele CA346402548.

ClinVar aggregate classification (germline): Uncertain significance (1 of 4 stars; one submission).

Conditions:
Retinitis pigmentosa 71 (RP71). Identifiers: Orphanet 791, MedGen C4225342, MONDO:0014618, OMIM 616394.
Short-rib thoracic dysplasia 10 with or without polydactyly (SRTD10). Identifiers: Orphanet 474, MedGen C3810175, MONDO:0014284, OMIM 615630.

Allele frequency attached by ClinVar (database versions not stated): gnomAD exomes below 0.00001.

Submission:

Labcorp Genetics (formerly Invitae), Labcorp
Classification: Uncertain significance for Retinitis pigmentosa 71; Short-rib thoracic dysplasia 10 with or without polydactyly. Last evaluated: 2022-04-11. Review status: criteria provided, single submitter. Criteria: Invitae Variant Classification Sherloc (09022015). Collection method: clinical testing. Allele origin: germline.
Comment: This sequence change replaces alanine, which is neutral and non-polar, with serine, which is neutral and polar, at codon 82 of the IFT172 protein (p.Ala82Ser). This variant is not present in population databases (gnomAD no frequency). This variant has not been reported in the literature in individuals affected with IFT172-related conditions. Algorithms developed to predict the effect of missense changes on protein structure and function are either unavailable or do not agree on the potential impact of this missense change (SIFT: "Deleterious"; PolyPhen-2: "Probably Damaging"; Align-GVGD: "Class C0"). Algorithms developed to predict the effect of sequence changes on RNA splicing suggest that this variant may create or strengthen a splice site. In summary, the available evidence is currently insufficient to determine the role of this variant in disease. Therefore, it has been classified as a Variant of Uncertain Significance.